The following is an entry in ClinVar:

NM_001244008.2(KIF1A):c.1063C>T (p.Arg355Cys)

Gene: KIF1A (kinesin family member 1A; minus strand). Cytogenetic location: 2q37.3.
Variant type: single nucleotide variant.
Coding change: c.1063C>T on transcript NM_001244008.2 (MANE Select); coding-DNA position 1063, C replaced by T.
Protein change: p.Arg355Cys; replaces arginine 355 with cysteine.
Molecular consequence: missense variant.
Genome position (GRCh38, 1-based): chr2:240,773,231, G>A on the plus strand (C>T on the coding strand, the complement: KIF1A is on the minus strand). VCF-style: chr2-240773231-G-A. GRCh37 (hg19) VCF-style: chr2-241712648-G-A.
Other names: c.1063C>T, p.Arg355Cys (NM_001379636.1, NM_001379637.1, NM_001379638.1 and 20 more transcripts); short protein forms R355C.
Identifiers: ClinVar variation 444562 (VCV000444562.50), dbSNP rs1225233710, ClinGen allele CA351295825.

ClinVar aggregate classification (germline): Uncertain significance. Review status: criteria provided, multiple submitters, no conflicts (2 of 4 stars). 2 submissions from 2 submitters: Uncertain significance (2). Last evaluated 2025-08-05.

Conditions:
Hereditary spastic paraplegia 30. Identifiers: Orphanet 101010, MedGen C5235139, MONDO:0012476.
Neuropathy, hereditary sensory, type 2C. Also called: Hereditary sensory and autonomic neuropathy type IIC; KIF1A-Related HSAN2 (HSAN2C). Identifiers: Orphanet 970, MedGen C3280168, MONDO:0013634, OMIM 614213.
Intellectual disability, autosomal dominant 9 (NESCAVS). Also called: KIF1A-Related Neurodevelopmental Disorder; NESCAV SYNDROME. Identifiers: Orphanet 662367, MedGen C5393830, MONDO:0013656, OMIM 614255.

Allele frequency attached by ClinVar (database versions not stated): gnomAD 0.00001; gnomAD exomes 0.00001; TOPMed 0.00001.
gnomAD v4.1: 12 of 1,613,802 alleles (0.00074%); highest among the groups gnomAD compares: South Asian, 0.0011%; no homozygotes.

Submissions (2):

Labcorp Genetics (formerly Invitae), Labcorp
Classification: Uncertain significance for Hereditary spastic paraplegia 30; Neuropathy, hereditary sensory, type 2C; Intellectual disability, autosomal dominant 9. Last evaluated: 2025-08-05. Review status: criteria provided, single submitter. Criteria: Invitae Variant Classification Sherloc (09022015). Collection method: clinical testing. Allele origin: germline.
Comment: This sequence change replaces arginine, which is basic and polar, with cysteine, which is neutral and slightly polar, at codon 355 of the KIF1A protein (p.Arg355Cys). This variant is present in population databases (no rsID available, gnomAD 0.002%). This variant has not been reported in the literature in individuals affected with KIF1A-related conditions. ClinVar contains an entry for this variant (Variation ID: 444562). Invitae Evidence Modeling of protein sequence and biophysical properties (such as structural, functional, and spatial information, amino acid conservation, physicochemical variation, residue mobility, and thermodynamic stability) indicates that this missense variant is expected to disrupt KIF1A protein function with a positive predictive value of 95%. In summary, the available evidence is currently insufficient to determine the role of this variant in disease. Therefore, it has been classified as a Variant of Uncertain Significance.

CeGaT Center for Human Genetics Tuebingen
Classification: Uncertain significance. Last evaluated: 2017-02-01. Review status: criteria provided, single submitter. Criteria: CeGaT Center For Human Genetics Tuebingen Variant Classification Criteria Version 2. Collection method: clinical testing. Allele origin: germline. Affected: yes. Observed: 1 variant allele.